The following is an entry in ClinVar:

NM_001292063.2(OTOG):c.4145T>C (p.Phe1382Ser)

Gene: OTOG (otogelin; plus strand). Cytogenetic location: 11p15.1.
Variant type: single nucleotide variant.
Coding change: c.4145T>C on transcript NM_001292063.2 (MANE Select); coding-DNA position 4145, T replaced by C.
Protein change: p.Phe1382Ser; replaces phenylalanine 1382 with serine.
Molecular consequence: missense variant.
Genome position (GRCh38, 1-based): chr11:17,606,124, T>C. VCF-style: chr11-17606124-T-C. GRCh37 (hg19) VCF-style: chr11-17627671-T-C.
Other names: c.4181T>C, p.Phe1394Ser (NM_001277269.2); short protein forms F1382S, F1394S.
Identifiers: ClinVar variation 1878812 (VCV001878812.2), dbSNP rs1190872154, ClinGen allele CA379792943.

ClinVar aggregate classification (germline): Likely pathogenic (1 of 4 stars; one submission).

Allele frequency attached by ClinVar (database versions not stated): gnomAD 0.00001; gnomAD exomes 0.00002; TOPMed 0.00003.

Submission:

GeneDx
Classification: Likely pathogenic. Last evaluated: 2023-02-15. Review status: criteria provided, single submitter. Criteria: GeneDx Variant Classification Process June 2021. Collection method: clinical testing. Allele origin: germline. Affected: yes.
Comment: Not observed at significant frequency in large population cohorts (gnomAD); In silico analysis supports that this missense variant has a deleterious effect on protein structure/function; Has not been previously published as pathogenic or benign to our knowledge